The following is an entry in ClinVar:

ClinVar aggregate classification (germline): Uncertain significance (1 of 4 stars; one submission).

Conditions:
Muscular dystrophy-dystroglycanopathy type B6 (MDDGB6). Also called: MUSCULAR DYSTROPHY-DYSTROGLYCANOPATHY (CONGENITAL WITH IMPAIRED INTELLECTUAL DEVELOPMENT), TYPE B, 6; MUSCULAR DYSTROPHY, CONGENITAL, LARGE-RELATED; MUSCULAR DYSTROPHY, CONGENITAL, TYPE 1D. Identifiers: MedGen C1837229, MONDO:0012138, OMIM 608840.

Allele frequency attached by ClinVar (database versions not stated): gnomAD exomes below 0.00001 and 0.00001; ExAC 0.00002.
gnomAD v4.1: 7 of 1,614,114 alleles (0.00043%); highest among the groups gnomAD compares: Non-Finnish European, 0.00051%; no homozygotes.

Submission:

Labcorp Genetics (formerly Invitae), Labcorp
Classification: Uncertain significance for Muscular dystrophy-dystroglycanopathy type B6. Last evaluated: 2021-05-17. Review status: criteria provided, single submitter. Criteria: Invitae Variant Classification Sherloc (09022015). Collection method: clinical testing. Allele origin: germline.
Comment: This sequence change replaces phenylalanine with leucine at codon 170 of the LARGE1 protein (p.Phe170Leu). The phenylalanine residue is moderately conserved and there is a small physicochemical difference between phenylalanine and leucine. This variant is present in population databases (rs770995323, ExAC 0.003%). This variant has not been reported in the literature in individuals with LARGE1-related conditions. Algorithms developed to predict the effect of missense changes on protein structure and function (SIFT, PolyPhen-2, Align-GVGD) all suggest that this variant is likely to be tolerated, but these predictions have not been confirmed by published functional studies and their clinical significance is uncertain. In summary, the available evidence is currently insufficient to determine the role of this variant in disease. Therefore, it has been classified as a Variant of Uncertain Significance.

NM_133642.5(LARGE1):c.510C>G (p.Phe170Leu)

Gene: LARGE1 (LARGE xylosyl- and glucuronyltransferase 1; minus strand). Cytogenetic location: 22q12.3.
Variant type: single nucleotide variant.
Coding change: c.510C>G on transcript NM_133642.5 (MANE Select); coding-DNA position 510, C replaced by G.
Protein change: p.Phe170Leu; replaces phenylalanine 170 with leucine.
Molecular consequence: missense variant.
Genome position (GRCh38, 1-based): chr22:33,604,540, G>C on the plus strand (C>G on the coding strand, the complement: LARGE1 is on the minus strand). VCF-style: chr22-33604540-G-C. GRCh37 (hg19) VCF-style: chr22-34000526-G-C.
Other names: c.510C>G, p.Phe170Leu (NM_001362949.2, NM_001362951.2, NM_001362953.2 and 7 more transcripts); short protein forms F170L.
Identifiers: ClinVar variation 1386719 (VCV001386719.8), dbSNP rs770995323, ClinGen allele CA10203011.